The following is an entry in ClinVar:

ClinVar aggregate classification (germline): Uncertain significance (1 of 4 stars; one submission).

Conditions:
Fabry disease. Also called: ALPHA-GALACTOSIDASE A DEFICIENCY; ANDERSON-FABRY DISEASE; CERAMIDE TRIHEXOSIDASE DEFICIENCY; GLA DEFICIENCY; HEREDITARY DYSTOPIC LIPIDOSIS; Angiokeratoma corporis diffusum. Identifiers: Orphanet 324, MedGen C0002986, MONDO:0010526, OMIM 301500, HP:0001071. Disease mechanism: Fabry disease is due to inactivating mutations in the X-linked GLA gene resulting in deficiency of the enzyme Alpha Galactosidase-A., loss of function.

Submission:

Genomenon, Inc
Classification: Uncertain significance for Fabry disease. Last evaluated: 2026-09-08. Review status: criteria provided, single submitter. Criteria: Genomenon Sequence Variant Interpretation Standards - Updated. Collection method: curation. Allele origin: germline. Affected: yes.
Comment: GLA p.Met72Val (c.214A>G) is a missense variant that changes the amino acid at codon 72 from Methionine to Valine. This variant has been observed in at least one proband with clinical features consistent with Fabry disease (PMID:32389574). Functional or patient cell studies have been reported (PMID:24386359;9452090;17555407;32389574;27657681). It is absent or not present at a significant frequency in gnomAD. In silico models predict that this variant is possibly or probably damaging. In conclusion, we classify GLA p.Met72Val (c.214A>G) as a variant of uncertain significance.

Literature cited by the submitters: PubMed 32389574; PubMed 24386359; PubMed 9452090; PubMed 17555407; PubMed 27657681.

NM_000169.3(GLA):c.214A>G (p.Met72Val)

Genes: GLA (galactosidase alpha; minus strand), RPL36A-HNRNPH2 (RPL36A-HNRNPH2 readthrough; plus strand). Cytogenetic location: Xq22.1.
Variant type: single nucleotide variant.
Coding change: c.214A>G on transcript NM_000169.3 (MANE Select); coding-DNA position 214, A replaced by G.
Protein change: p.Met72Val; replaces methionine 72 with valine.
Molecular consequence: missense variant. On other transcripts: non-coding transcript variant (3), intron variant (2).
Genome position (GRCh38, 1-based): chrX:101,403,966, T>C on the plus strand (A>G on the coding strand, the complement: GLA is on the minus strand). VCF-style: chrX-101403966-T-C. GRCh37 (hg19) VCF-style: chrX-100658954-T-C.
Other names: c.337A>G, p.Met113Val (NM_001406747.1, NM_001406749.1); c.214A>G, p.Met72Val (NM_001406748.1); c.301-7970T>C (NM_001199973.2); c.178-7970T>C (NM_001199974.2); short protein forms M113V, M72V.
Identifiers: ClinVar variation 4087305 (VCV004087305.2).
Genomic context (GRCh38, chrX:101,403,966, plus strand): 5'-CAATGCAGAGGTACTCATAACCTGCATCCTTCCAGCCTTCTGAGACCATGAGCTCTGCCA[T>C]CTCCATGAAGAGCTTCTCACTGAAAGAGAAATTCCAATAATCATTACAATTCATTAAATG-3'
Protein context (NP_000160.1, residues 62-82): SCISEKLFME[Met72Val]AELMVSEGWK